The following is an entry in ClinVar:

NM_003151.4(STAT4):c.1523G>A (p.Arg508His)

Gene: STAT4 (signal transducer and activator of transcription 4; minus strand). Cytogenetic location: 2q32.2.
Variant type: single nucleotide variant.
Coding change: c.1523G>A on transcript NM_003151.4 (MANE Select); coding-DNA position 1523, G replaced by A.
Protein change: p.Arg508His; replaces arginine 508 with histidine.
Molecular consequence: missense variant.
Genome position (GRCh38, 1-based): chr2:191,036,211, C>T on the plus strand (G>A on the coding strand, the complement: STAT4 is on the minus strand). VCF-style: chr2-191036211-C-T. GRCh37 (hg19) VCF-style: chr2-191900937-C-T.
Other names: c.1523G>A, p.Arg508His (NM_001243835.2); short protein forms R508H.
Identifiers: ClinVar variation 1430074 (VCV001430074.8), dbSNP rs376947712, ClinGen allele CA2030563.

ClinVar aggregate classification (germline): Uncertain significance (1 of 4 stars; one submission).

Allele frequency attached by ClinVar (database versions not stated): gnomAD exomes below 0.00001; ExAC 0.00001; ESP Exome Variant Server 0.00008.
gnomAD v4.1: 5 of 1,614,118 alleles (0.00031%); highest among the groups gnomAD compares: East Asian, 0.0022%; no homozygotes.

Submission:

Labcorp Genetics (formerly Invitae), Labcorp
Classification: Uncertain significance. Last evaluated: 2020-12-17. Review status: criteria provided, single submitter. Criteria: Invitae Variant Classification Sherloc (09022015). Collection method: clinical testing. Allele origin: germline.
Comment: This variant is present in population databases (rs376947712, ExAC 0.001%). This sequence change replaces arginine with histidine at codon 508 of the STAT4 protein (p.Arg508His). The arginine residue is highly conserved and there is a small physicochemical difference between arginine and histidine. This variant has not been reported in the literature in individuals with STAT4-related conditions. In summary, the available evidence is currently insufficient to determine the role of this variant in disease. Therefore, it has been classified as a Variant of Uncertain Significance. Algorithms developed to predict the effect of missense changes on protein structure and function are either unavailable or do not agree on the potential impact of this missense change (SIFT: "Deleterious"; PolyPhen-2: "Probably Damaging"; Align-GVGD: "Class C0").